The following is an entry in ClinVar:

ClinVar aggregate classification (germline): Benign/Likely benign. Review status: criteria provided, multiple submitters, no conflicts (2 of 4 stars). 3 submissions from 3 submitters: Benign (1); Likely benign (2). Last evaluated 2025-01-15.

Conditions:
Hereditary cancer-predisposing syndrome. Also called: Neoplastic Syndromes, Hereditary; Tumor predisposition; Hereditary Cancer Syndrome; Hereditary neoplastic syndrome. Identifiers: Orphanet 140162, MedGen C0027672, MeSH D009386, MONDO:0015356.
Familial cancer of breast. Also called: BREAST CANCER, FAMILIAL; Hereditary breast cancer; hereditary breast carcinoma. Identifiers: Orphanet 227535, MedGen C0346153, MONDO:0016419, OMIM 114480. Disease mechanism: loss of function.

Allele frequency attached by ClinVar (database versions not stated): gnomAD exomes below 0.00001; TOPMed below 0.00001; ExAC 0.00001; gnomAD 0.00001.
gnomAD v4.1: 1 of 1,614,054 alleles (0.000062%); highest among the groups gnomAD compares: African/African-American, 0.0013%; no homozygotes.

Submissions (3):

Myriad Genetics, Inc.
Classification: Benign for Familial cancer of breast. Last evaluated: 2025-01-15. Review status: criteria provided, single submitter. Criteria: Myriad Autosomal Dominant, Autosomal Recessive and X-Linked Classification Criteria (2023). Collection method: clinical testing. Allele origin: unknown.
Comment: This variant is considered benign. This variant is a silent/synonymous amino acid change and it is not expected to impact splicing.

Labcorp Genetics (formerly Invitae), Labcorp
Classification: Likely benign for Familial cancer of breast. Last evaluated: 2018-08-15. Review status: criteria provided, single submitter. Criteria: Invitae Variant Classification Sherloc (09022015). Collection method: clinical testing. Allele origin: germline.

Ambry Genetics
Classification: Likely benign for Hereditary cancer-predisposing syndrome. Last evaluated: 2016-04-04. Review status: criteria provided, single submitter. Criteria: Ambry Variant Classification Scheme 2023. Collection method: clinical testing. Allele origin: germline.

NM_024675.4(PALB2):c.2107T>C (p.Leu703=)

Gene: PALB2 (partner and localizer of BRCA2; minus strand). Cytogenetic location: 16p12.2.
Variant type: single nucleotide variant.
Coding change: c.2107T>C on transcript NM_024675.4 (MANE Select); coding-DNA position 2107, T replaced by C.
Protein change: p.Leu703=; no amino-acid change (leucine 703 retained).
Molecular consequence: synonymous variant.
Genome position (GRCh38, 1-based): chr16:23,630,047, A>G on the plus strand (T>C on the coding strand, the complement: PALB2 is on the minus strand). VCF-style: chr16-23630047-A-G. GRCh37 (hg19) VCF-style: chr16-23641368-A-G.
Identifiers: ClinVar variation 482022 (VCV000482022.15), dbSNP rs756030419, ClinGen allele CA7963622.